The following is an entry in ClinVar:

NM_000355.4(TCN2):c.428-2A>G

Gene: TCN2 (transcobalamin 2; plus strand). Cytogenetic location: 22q12.2.
Variant type: single nucleotide variant.
Coding change: c.428-2A>G on transcript NM_000355.4 (MANE Select); the canonical splice acceptor site of the intron before coding-DNA position 428, A replaced by G.
Molecular consequence: splice acceptor variant.
Genome position (GRCh38, 1-based): chr22:30,614,347, A>G. VCF-style: chr22-30614347-A-G. GRCh37 (hg19) VCF-style: chr22-31010334-A-G.
Other names: c.347-2A>G (NM_001184726.2).
Identifiers: ClinVar variation 942477 (VCV000942477.12), dbSNP rs2087581122, ClinGen allele CA411210436.

ClinVar aggregate classification (germline): Pathogenic/Likely pathogenic. Review status: criteria provided, multiple submitters, no conflicts (2 of 4 stars). 3 submissions from 3 submitters: Pathogenic (1); Likely pathogenic (1). 1 of the submissions does not count toward it. Last evaluated 2023-05-26.

Conditions:
Transcobalamin II deficiency (TCN2D). Also called: TC II DEFICIENCY; TCN2 DEFICIENCY; Transcolabamin II deficiency. Identifiers: Orphanet 859, MedGen C0342701, MONDO:0010149, OMIM 275350.
Pancytopenia. Identifiers: MedGen C0030312, MONDO:0001529, HP:0001876.

Submissions (3):

Labcorp Genetics (formerly Invitae), Labcorp
Classification: Likely pathogenic for Transcobalamin II deficiency. Last evaluated: 2023-05-26. Review status: criteria provided, single submitter. Criteria: Invitae Variant Classification Sherloc (09022015). Collection method: clinical testing. Allele origin: germline.
Comment: In summary, the currently available evidence indicates that the variant is pathogenic, but additional data are needed to prove that conclusively. Therefore, this variant has been classified as Likely Pathogenic. This sequence change affects an acceptor splice site in intron 3 of the TCN2 gene. It is expected to disrupt RNA splicing. Variants that disrupt the donor or acceptor splice site typically lead to a loss of protein function (PMID: 16199547), and loss-of-function variants in TCN2 are known to be pathogenic (PMID: 7980584, 20352340). This variant is not present in population databases (gnomAD no frequency). This variant has not been reported in the literature in individuals affected with TCN2-related conditions. ClinVar contains an entry for this variant (Variation ID: 942477). Algorithms developed to predict the effect of sequence changes on RNA splicing suggest that this variant may disrupt the consensus splice site.

GeneDx
Classification: Pathogenic. Last evaluated: 2022-05-26. Review status: criteria provided, single submitter. Criteria: GeneDx Variant Classification Process June 2021. Collection method: clinical testing. Allele origin: germline. Affected: yes.
Comment: Not observed in large population cohorts (gnomAD); Canonical splice site variant expected to result in aberrant splicing, although in the absence of functional evidence the actual effect of this sequence change is unknown.; This variant is associated with the following publications: (PMID: 35488219)

Department of Pediatrics, Division of Medical Genetics, Faculty of Medicine Ramathibodi Hospital, Mahidol University
Classification: Pathogenic for Pancytopenia. Last evaluated: 2021-10-17. Review status: no assertion criteria provided. Collection method: research. Allele origin: germline. Inheritance: Autosomal recessive inheritance. Affected: yes. Not counted in ClinVar's aggregate classification.
Comment: This variant was absent in large population studies (genomAD database) and our whole exome in-house database of Thai populations (200 individuals). Additionally, mRNA analysis revealed exon4 skipping.

Literature cited by the submitters: PubMed 16199547 (cited by Labcorp Genetics (formerly Invitae), Labcorp); PubMed 7980584 (cited by Labcorp Genetics (formerly Invitae), Labcorp); PubMed 20352340 (cited by Labcorp Genetics (formerly Invitae), Labcorp).